The following is an entry in ClinVar:

ClinVar aggregate classification (germline): Uncertain significance (1 of 4 stars; one submission).

Conditions:
Hereditary cancer-predisposing syndrome. Also called: Neoplastic Syndromes, Hereditary; Tumor predisposition; Hereditary neoplastic syndrome; Hereditary Cancer Syndrome. Identifiers: Orphanet 140162, MedGen C0027672, MeSH D009386, MONDO:0015356.

Allele frequency attached by ClinVar (database versions not stated): gnomAD exomes below 0.00001.
gnomAD v4.1: 1 of 1,613,774 alleles (0.000062%); highest among the groups gnomAD compares: Non-Finnish European, 0.000085%; no homozygotes.

Submission:

Ambry Genetics
Classification: Uncertain significance for Hereditary cancer-predisposing syndrome. Last evaluated: 2022-12-23. Review status: criteria provided, single submitter. Criteria: Ambry Variant Classification Scheme 2023. Collection method: clinical testing. Allele origin: germline.
Comment: The p.P540A variant (also known as c.1618C>G), located in coding exon 11 of the PMS2 gene, results from a C to G substitution at nucleotide position 1618. The proline at codon 540 is replaced by alanine, an amino acid with highly similar properties. This amino acid position is conserved. In addition, this alteration is predicted to be tolerated by in silico analysis. Since supporting evidence is limited at this time, the clinical significance of this alteration remains unclear.

NM_000535.7(PMS2):c.1618C>G (p.Pro540Ala)

Gene: PMS2 (PMS1 homolog 2, mismatch repair system component; minus strand). Cytogenetic location: 7p22.1.
Variant type: single nucleotide variant.
Coding change: c.1618C>G on transcript NM_000535.7 (MANE Select); coding-DNA position 1618, C replaced by G.
Protein change: p.Pro540Ala; replaces proline 540 with alanine.
Molecular consequence: missense variant. On other transcripts: non-coding transcript variant (1), intron variant (1).
Genome position (GRCh38, 1-based): chr7:5,987,147, G>C on the plus strand (C>G on the coding strand, the complement: PMS2 is on the minus strand). VCF-style: chr7-5987147-G-C. GRCh37 (hg19) VCF-style: chr7-6026778-G-C.
Other names: c.1213C>G, p.Pro405Ala (NM_001406897.1, NM_001406898.1, NM_001406899.1 and 17 more transcripts); c.1153C>G, p.Pro385Ala (NM_001406900.1); c.1144C>G, p.Pro382Ala (NM_001406901.1, NM_001406902.1); c.1105C>G, p.Pro369Ala (NM_001406904.1, NM_001406905.1); c.1057C>G, p.Pro353Ala (NM_001406906.1, NM_001322010.2, NM_001406907.1); c.1300C>G, p.Pro434Ala (NM_001406903.1, NM_001322007.2, NM_001322008.2 and 2 more transcripts); c.1462C>G, p.Pro488Ala (NM_001322006.2, NM_001406870.1); c.685C>G, p.Pro229Ala (NM_001322011.2, NM_001322012.2); and 13 more; short protein forms P229A, P382A, P405A, P474A, P488A, P369A, P418A, P432A.
Identifiers: ClinVar variation 2451598 (VCV002451598.2), dbSNP rs63750535, ClinGen allele CA366741470.
Genomic context (GRCh38, chr7:5,987,147, plus strand): 5'-ATCCGGTATCTTCCTGGTTTGAATGGCAGTCCACATCTGAAAAAGAGTCGTCAGTTTTAG[G>C]CGCTTTCTCCTGAGAGTCCACATGTTCCTGCGAGCCCCTGTCCCCTGGGGAGCTGGCCGC-3'
Protein context (NP_000526.2, residues 530-550): QEHVDSQEKA[Pro540Ala]KTDDSFSDVD